The following is an entry in ClinVar:

NM_000021.4(PSEN1):c.1234G>A (p.Val412Ile)

Gene: PSEN1 (presenilin 1; plus strand). Cytogenetic location: 14q24.2.
Variant type: single nucleotide variant.
Coding change: c.1234G>A on transcript NM_000021.4 (MANE Select); coding-DNA position 1234, G replaced by A.
Protein change: p.Val412Ile; replaces valine 412 with isoleucine.
Molecular consequence: missense variant.
Genome position (GRCh38, 1-based): chr14:73,217,230, G>A. VCF-style: chr14-73217230-G-A. GRCh37 (hg19) VCF-style: chr14-73683938-G-A.
Other names: c.1222G>A, p.Val408Ile (NM_007318.3); short protein forms V408I, V412I.
Identifiers: ClinVar variation 1318725 (VCV001318725.7), dbSNP rs200525059, ClinGen allele CA262620284.

ClinVar aggregate classification (germline): Uncertain significance. Review status: criteria provided, multiple submitters, no conflicts (2 of 4 stars). 5 submissions from 5 submitters: Uncertain significance (5). Last evaluated 2026-07-28.

Conditions:
Inborn genetic diseases. Identifiers: MedGen C0950123, MeSH D030342.
PSEN1-related disorder. Also called: PSEN1-related condition.

Allele frequency attached by ClinVar (database versions not stated): gnomAD exomes 0.00001; gnomAD 0.00002; TOPMed 0.00002.
gnomAD v4.1: 23 of 1,613,504 alleles (0.0014%); highest among the groups gnomAD compares: African/African-American, 0.0067%; no homozygotes.

Submissions (5):

Ambry Genetics
Classification: Uncertain significance for Inborn genetic diseases. Last evaluated: 2026-07-28. Review status: criteria provided, single submitter. Criteria: Ambry Variant Classification Scheme 2023. Collection method: clinical testing. Allele origin: germline.
Comment: The c.1234G>A (p.V412I) alteration is located in exon 11 (coding exon 9) of the PSEN1 gene. This alteration results from a G to A substitution at nucleotide position 1234, causing the valine (V) at amino acid position 412 to be replaced by an isoleucine (I). Based on data from gnomAD, the A allele has an overall frequency of 0.001% (3/280740) total alleles studied. The highest observed frequency was 0.004% (1/24402) of African alleles. This variant was reported in individual(s) with features consistent with PSEN1-related neurodegenerative disease (Bernardi, 2009; Bernardi, 2011; Fern&aacute;ndez, 2017). This amino acid position is highly conserved in available vertebrate species. This alteration is predicted to be deleterious by in silico analysis. Based on insufficient or conflicting evidence, the clinical significance of this alteration remains unclear.

CeGaT Center for Human Genetics Tuebingen
Classification: Uncertain significance. Last evaluated: 2026-04-01. Review status: criteria provided, single submitter. Criteria: CeGaT Center For Human Genetics Tuebingen Variant Classification Criteria Version 2. Collection method: clinical testing. Allele origin: germline. Affected: yes. Observed: 1 variant allele.
Comment: PSEN1: PM2:Supporting, PP1, PP2, PP3, BS3:Supporting

Women's Health and Genetics/Laboratory Corporation of America, LabCorp
Classification: Uncertain significance. Last evaluated: 2024-07-29. Review status: criteria provided, single submitter. Criteria: LabCorp Variant Classification Summary - May 2015. Collection method: clinical testing. Allele origin: germline.
Comment: Variant summary: PSEN1 c.1234G>A (p.Val412Ile) results in a conservative amino acid change in the encoded protein sequence. Three of five in-silico tools predict a benign effect of the variant on protein function. The variant allele was found at a frequency of 8e-06 in 249344 control chromosomes (gnomAD). The available data on variant occurrences in the general population are insufficient to allow any conclusion about variant significance. c.1234G>A has been reported in the literature in individuals affected with late onset Alzheimer Disease (e.g. Fernandez_2017) and in a family with early onset familial frontotemporal dementia that also had a variant in PRNP in some affected individuals (Bernardi_2009, 2011). These reports do not provide unequivocal conclusions about association of the variant with Alzheimer Disease, Type 3. At least one publication reports experimental evidence evaluating an impact on protein function, however, does not allow convincing conclusions about the variant effect (Sun_2017). The following publications have been ascertained in the context of this evaluation (PMID: 18314228, 27930341, 21297264, 29091718). ClinVar contains an entry for this variant (Variation ID: 1318725). Based on the evidence outlined above, the variant was classified as uncertain significance.

PreventionGenetics, part of Exact Sciences
Classification: Uncertain significance for PSEN1-related condition. Last evaluated: 2023-01-05. Review status: criteria provided, single submitter. Criteria: ACMG Guidelines, 2015. Collection method: clinical testing. Allele origin: germline.
Comment: The PSEN1 c.1234G>A variant is predicted to result in the amino acid substitution p.Val412Ile. This variant was reported in patients with Frontotemporal dementia (Bernardi et al 2009. PubMed ID: 18314228; Fernández MV et al 2017. PubMed ID: 29091718; Koriath C et al 2018. PubMed ID: 30279455). In vitro study showed that the variant exhibited reduced production of both Aβ42 and Aβ40 (Fig. 2 in Sun L et al 2017. PubMed ID: 27930341). This variant is reported in 0.0041% of alleles in individuals of African descent in gnomAD. At this time, the clinical significance of this variant is uncertain due to the absence of conclusive functional and genetic evidence.

GeneDx
Classification: Uncertain significance. Last evaluated: 2019-07-30. Review status: criteria provided, single submitter. Criteria: GeneDx Variant Classification Process June 2021. Collection method: clinical testing. Allele origin: germline. Affected: yes.
Comment: Published functional studies suggest a damaging effect with decreased protein production compared to wild type (Sun et al., 2017); In silico analysis, which includes protein predictors and evolutionary conservation, supports that this variant does not alter protein structure/function; This variant is associated with the following publications: (PMID: 30279455, 23948899, 21297264, 25525159, 27930341, 29091718, 20559464, 18314228)

Literature cited by the submitters: PubMed 18314228 (cited by Ambry Genetics and Women's Health and Genetics/Laboratory Corporation of America, LabCorp); PubMed 21297264 (cited by Ambry Genetics and Women's Health and Genetics/Laboratory Corporation of America, LabCorp); PubMed 29091718 (cited by Ambry Genetics and Women's Health and Genetics/Laboratory Corporation of America, LabCorp); PubMed 27930341 (cited by Women's Health and Genetics/Laboratory Corporation of America, LabCorp).